The following is an entry in ClinVar:

ClinVar aggregate classification (germline): Uncertain significance (1 of 4 stars; one submission).

Submission:

Ambry Genetics
Classification: Uncertain significance. Last evaluated: 2024-05-08. Review status: criteria provided, single submitter. Criteria: Ambry Variant Classification Scheme 2023. Collection method: clinical testing. Allele origin: germline.
Comment: The p.Y849C variant (also known as c.2546A>G), located in coding exon 13 of the PALLD gene, results from an A to G substitution at nucleotide position 2546. The tyrosine at codon 849 is replaced by cysteine, an amino acid with highly dissimilar properties. This amino acid position is conserved. In addition, this alteration is predicted to be deleterious by in silico analysis. Based on the available evidence, the clinical significance of this variant remains unclear.

NM_001166108.2(PALLD):c.2597A>G (p.Tyr866Cys)

Genes: CBR4 (carbonyl reductase 4; minus strand), PALLD (palladin, cytoskeletal associated protein; plus strand). Cytogenetic location: 4q32.3.
Variant type: single nucleotide variant.
Coding change: c.2597A>G on transcript NM_001166108.2 (MANE Select); coding-DNA position 2597, A replaced by G.
Protein change: p.Tyr866Cys; replaces tyrosine 866 with cysteine.
Molecular consequence: missense variant.
Genome position (GRCh38, 1-based): chr4:168,903,881, A>G. VCF-style: chr4-168903881-A-G. GRCh37 (hg19) VCF-style: chr4-169825032-A-G.
Other names: c.1400A>G, p.Tyr467Cys (NM_001166109.2); c.1085A>G, p.Tyr362Cys (NM_001166110.2); c.425A>G, p.Tyr142Cys (NM_001367567.1, NM_001367569.1); c.476A>G, p.Tyr159Cys (NM_001367568.1, NM_001367570.1); c.2546A>G, p.Tyr849Cys (NM_016081.4); short protein forms Y467C, Y362C, Y849C, Y142C, Y159C, Y866C.
Identifiers: ClinVar variation 3304083 (VCV003304083.1).
Genomic context (GRCh38, chr4:168,903,881, plus strand): 5'-ATCTCGATGGGACCTGCTCCCTCCATACCACAGCCTCCACCCTAGATGATGATGGGAATT[A>G]TACAATTATGGCTGCAAACCCTCAGGTAAAGAAGGGTATAGGTCTGGGCTCAGTTCTGTG-3'
Protein context (NP_001159580.1, residues 856-876): TASTLDDDGN[Tyr866Cys]TIMAANPQGR